The following is an entry in ClinVar:

NM_001394998.1(TANC2):c.3388C>T (p.Gln1130Ter)

Genes: TANC2 (tetratricopeptide repeat, ankyrin repeat and coiled-coil containing 2; plus strand), LOC105371856 (uncharacterized LOC105371856; minus strand). Cytogenetic location: 17q23.3.
Variant type: single nucleotide variant.
Coding change: c.3388C>T on transcript NM_001394998.1 (MANE Select); coding-DNA position 3388, C replaced by T.
Protein change: p.Gln1130Ter; replaces glutamine 1130 with a stop codon.
Molecular consequence: nonsense.
Genome position (GRCh38, 1-based): chr17:63,405,178, C>T. VCF-style: chr17-63405178-C-T. GRCh37 (hg19) VCF-style: chr17-61482539-C-T.
Other names: c.3166C>T, p.Gln1056Ter (NM_001411076.1, NM_025185.4); short protein forms Q1056*, Q1130*.
Identifiers: ClinVar variation 3031128 (VCV003031128.2), dbSNP rs2510349919, ClinGen allele CA400535666.

ClinVar aggregate classification (germline): Likely pathogenic (0 of 4 stars; one submission).

Conditions:
TANC2-related disorder. Also called: TANC2-related condition.

Submission:

PreventionGenetics, part of Exact Sciences
Classification: Likely pathogenic for TANC2-related condition. Last evaluated: 2023-10-24. Review status: no assertion criteria provided. Collection method: clinical testing. Allele origin: germline.
Comment: The TANC2 c.3166C>T variant is predicted to result in premature protein termination (p.Gln1056*). To our knowledge, this variant has not been reported in the literature or in a large population database, indicating this variant is rare. Nonsense variants in TANC2 are expected to be pathogenic. This variant is interpreted as likely pathogenic.